The following is an entry in ClinVar:

ClinVar aggregate classification (germline): Uncertain significance (1 of 4 stars; one submission).

Conditions:
Congenital myotonia, autosomal dominant form (THD). Also called: THOMSEN DISEASE; Myotonia congenita autosomal dominant. Identifiers: Orphanet 614, MedGen C2936781, MONDO:0008055, OMIM 160800.
Congenital myotonia, autosomal recessive form. Also called: Becker Generalized Myotonia; myotonia congenita, autosomal recessive; BECKER DISEASE. Identifiers: Orphanet 614, MedGen C0751360, MONDO:0009715, OMIM 255700.

Submission:

Labcorp Genetics (formerly Invitae), Labcorp
Classification: Uncertain significance for Congenital myotonia, autosomal recessive form; Congenital myotonia, autosomal dominant form. Last evaluated: 2024-09-29. Review status: criteria provided, single submitter. Criteria: Invitae Variant Classification Sherloc (09022015). Collection method: clinical testing. Allele origin: germline.
Comment: This sequence change replaces leucine, which is neutral and non-polar, with methionine, which is neutral and non-polar, at codon 840 of the CLCN1 protein (p.Leu840Met). This variant is not present in population databases (gnomAD no frequency). This variant has not been reported in the literature in individuals affected with CLCN1-related conditions. Invitae Evidence Modeling of protein sequence and biophysical properties (such as structural, functional, and spatial information, amino acid conservation, physicochemical variation, residue mobility, and thermodynamic stability) has been performed for this missense variant. However, the output from this modeling did not meet the statistical confidence thresholds required to predict the impact of this variant on CLCN1 protein function. In summary, the available evidence is currently insufficient to determine the role of this variant in disease. Therefore, it has been classified as a Variant of Uncertain Significance.

NM_000083.3(CLCN1):c.2518C>A (p.Leu840Met)

Gene: CLCN1 (chloride voltage-gated channel 1; plus strand). Cytogenetic location: 7q34.
Variant type: single nucleotide variant.
Coding change: c.2518C>A on transcript NM_000083.3 (MANE Select); coding-DNA position 2518, C replaced by A.
Protein change: p.Leu840Met; replaces leucine 840 with methionine.
Molecular consequence: missense variant. On other transcripts: non-coding transcript variant (1).
Genome position (GRCh38, 1-based): chr7:143,350,577, C>A. VCF-style: chr7-143350577-C-A. GRCh37 (hg19) VCF-style: chr7-143047670-C-A.
Other names: short protein forms L840M.
Identifiers: ClinVar variation 3754136 (VCV003754136.2).
Genomic context (GRCh38, chr7:143,350,577, plus strand): 5'-GGAGAGCTGTGGGGCAAGGAACATGCACTGACCTGTGCTCTTCATCCTCAGACTCATACC[C>A]TGTTTTCACTCCTTGGCCTCCACCTCGCTTACGTGACCAGCATGGGGAAGCTCAGGGGCG-3'
Protein context (NP_000074.3, residues 830-850): EQTTLHKTHT[Leu840Met]FSLLGLHLAY